The following is an entry in ClinVar:

NM_001017995.3(SH3PXD2B):c.668-2A>G

Gene: SH3PXD2B (SH3 and PX domains 2B; minus strand). Cytogenetic location: 5q35.1.
Variant type: single nucleotide variant.
Coding change: c.668-2A>G on transcript NM_001017995.3 (MANE Select); the canonical splice acceptor site of the intron before coding-DNA position 668, A replaced by G.
Molecular consequence: splice acceptor variant.
Genome position (GRCh38, 1-based): chr5:172,354,007, T>C on the plus strand (A>G on the coding strand, the complement: SH3PXD2B is on the minus strand). VCF-style: chr5-172354007-T-C. GRCh37 (hg19) VCF-style: chr5-171781011-T-C.
Other names: c.668-2A>G (NM_001308175.2).
Identifiers: ClinVar variation 3622363 (VCV003622363.2).

ClinVar aggregate classification (germline): Likely pathogenic (1 of 4 stars; one submission).

Submission:

Labcorp Genetics (formerly Invitae), Labcorp
Classification: Likely pathogenic. Last evaluated: 2024-10-24. Review status: criteria provided, single submitter. Criteria: Invitae Variant Classification Sherloc (09022015). Collection method: clinical testing. Allele origin: germline.
Comment: This sequence change affects an acceptor splice site in intron 8 of the SH3PXD2B gene. It is expected to disrupt RNA splicing. Variants that disrupt the donor or acceptor splice site typically lead to a loss of protein function (PMID: 16199547), and loss-of-function variants in SH3PXD2B are known to be pathogenic (PMID: 20137777). This variant is present in population databases (no rsID available, gnomAD 0.0009%). This variant has not been reported in the literature in individuals affected with SH3PXD2B-related conditions. Algorithms developed to predict the effect of sequence changes on RNA splicing suggest that this variant may disrupt the consensus splice site. In summary, the currently available evidence indicates that the variant is pathogenic, but additional data are needed to prove that conclusively. Therefore, this variant has been classified as Likely Pathogenic.

Literature cited by the submitters: PubMed 16199547; PubMed 20137777.